The following is an entry in ClinVar:

ClinVar aggregate classification (germline): Uncertain significance (1 of 4 stars; one submission).

Submission:

Labcorp Genetics (formerly Invitae), Labcorp
Classification: Uncertain significance. Last evaluated: 2022-03-22. Review status: criteria provided, single submitter. Criteria: Invitae Variant Classification Sherloc (09022015). Collection method: clinical testing. Allele origin: germline.
Comment: This variant is not present in population databases (gnomAD no frequency). In summary, the available evidence is currently insufficient to determine the role of this variant in disease. Therefore, it has been classified as a Variant of Uncertain Significance. Experimental studies and prediction algorithms are not available or were not evaluated, and the functional significance of this variant is currently unknown. This variant has not been reported in the literature in individuals affected with CANT1-related conditions. This variant, c.970_975del, results in the deletion of 2 amino acid(s) of the CANT1 protein (p.Ser324_Pro325del), but otherwise preserves the integrity of the reading frame.

NM_001159773.2(CANT1):c.970_975del (p.Ser324_Pro325del)

Gene: CANT1 (calcium activated nucleotidase 1; minus strand). Cytogenetic location: 17q25.3.
Variant type: Deletion.
Coding change: c.970_975del on transcript NM_001159773.2 (MANE Select); coding-DNA positions 970 to 975, 6 bases deleted (TCCCCT; older notation c.970_975delTCCCCT).
Protein change: p.Ser324_Pro325del.
Molecular consequence: inframe deletion.
Genome position (GRCh38, 1-based): chr17:78,993,781-78,993,786, AGGGGA deleted on the plus strand (TCCCCT on the coding strand, the reverse complement: CANT1 is on the minus strand). VCF-style (leftmost placement, unchanged base first): chr17-78993780-CAGGGGA-C. GRCh37 (hg19) VCF-style: chr17-76989862-CAGGGGA-C.
Other names: c.970_975del, p.Ser324_Pro325del (NM_001159772.2, NM_138793.4).
Identifiers: ClinVar variation 2115337 (VCV002115337.4), dbSNP rs2509808348, ClinGen allele CA2580095254.
Genomic context (GRCh38, chr17:78,993,780, plus strand): 5'-ACGAGAAGCCGTGAGTGGGGACCACCGCCCCGACGTGGCTCACAGCGATGTCGCCGAAGT[CAGGGGA>C]GGCGCTCAGCAGCAGGTTGGCGCCCTTGCGCTCGTCGTCCTTCTCGCTGTAGCGCTCCTG-3'